The following is an entry in ClinVar:

ClinVar aggregate classification (germline): Uncertain significance (1 of 4 stars; one submission).

Submission:

Ambry Genetics
Classification: Uncertain significance. Last evaluated: 2024-07-06. Review status: criteria provided, single submitter. Criteria: Ambry Variant Classification Scheme 2023. Collection method: clinical testing. Allele origin: germline.
Comment: The p.E84D variant (also known as c.252G>C), located in coding exon 2 of the IDH1 gene, results from a G to C substitution at nucleotide position 252. The glutamic acid at codon 84 is replaced by aspartic acid, an amino acid with highly similar properties. This amino acid position is conserved. In addition, this alteration is predicted to be tolerated by in silico analysis. Since supporting evidence is limited at this time, the clinical significance of this alteration remains unclear.

NM_005896.4(IDH1):c.252G>C (p.Glu84Asp)

Gene: IDH1 (isocitrate dehydrogenase (NADP(+)) 1; minus strand). Cytogenetic location: 2q34.
Variant type: single nucleotide variant.
Coding change: c.252G>C on transcript NM_005896.4 (MANE Select); coding-DNA position 252, G replaced by C.
Protein change: p.Glu84Asp; replaces glutamic acid 84 with aspartic acid.
Molecular consequence: missense variant.
Genome position (GRCh38, 1-based): chr2:208,248,531, C>G on the plus strand (G>C on the coding strand, the complement: IDH1 is on the minus strand). VCF-style: chr2-208248531-C-G. GRCh37 (hg19) VCF-style: chr2-209113255-C-G.
Other names: c.252G>C, p.Glu84Asp (NM_001282386.1, NM_001282387.1); short protein forms E84D.
Identifiers: ClinVar variation 1792675 (VCV001792675.3), dbSNP rs1349971974, ClinGen allele CA350101972.